The following is an entry in ClinVar:

ClinVar aggregate classification (germline): Uncertain significance (1 of 4 stars; one submission).

Submission:

Labcorp Genetics (formerly Invitae), Labcorp
Classification: Uncertain significance. Last evaluated: 2022-07-06. Review status: criteria provided, single submitter. Criteria: Invitae Variant Classification Sherloc (09022015). Collection method: clinical testing. Allele origin: germline.
Comment: In summary, the available evidence is currently insufficient to determine the role of this variant in disease. Therefore, it has been classified as a Variant of Uncertain Significance. Algorithms developed to predict the effect of missense changes on protein structure and function (SIFT, PolyPhen-2, Align-GVGD) all suggest that this variant is likely to be disruptive. ClinVar contains an entry for this variant (Variation ID: 1523869). This variant has not been reported in the literature in individuals affected with SETBP1-related conditions. This variant is not present in population databases (gnomAD no frequency). This sequence change replaces proline, which is neutral and non-polar, with leucine, which is neutral and non-polar, at codon 762 of the SETBP1 protein (p.Pro762Leu).

NM_015559.3(SETBP1):c.2285C>T (p.Pro762Leu)

Gene: SETBP1 (SET binding protein 1; plus strand). Cytogenetic location: 18q12.3.
Variant type: single nucleotide variant.
Coding change: c.2285C>T on transcript NM_015559.3 (MANE Select); coding-DNA position 2285, C replaced by T.
Protein change: p.Pro762Leu; replaces proline 762 with leucine.
Molecular consequence: missense variant.
Genome position (GRCh38, 1-based): chr18:44,951,625, C>T. VCF-style: chr18-44951625-C-T. GRCh37 (hg19) VCF-style: chr18-42531590-C-T.
Other names: c.2285C>T, p.Pro762Leu (NM_001379141.1, NM_001379142.1); short protein forms P762L.
Identifiers: ClinVar variation 1523869 (VCV001523869.6), dbSNP rs2145103965, ClinGen allele CA402320794.